The following is an entry in ClinVar:

NM_020361.5(CPA6):c.275G>A (p.Arg92Gln)

Gene: CPA6 (carboxypeptidase A6; minus strand). Cytogenetic location: 8q13.2.
Variant type: single nucleotide variant.
Coding change: c.275G>A on transcript NM_020361.5 (MANE Select); coding-DNA position 275, G replaced by A.
Protein change: p.Arg92Gln; replaces arginine 92 with glutamine.
Molecular consequence: missense variant.
Genome position (GRCh38, 1-based): chr8:67,517,965, C>T on the plus strand (G>A on the coding strand, the complement: CPA6 is on the minus strand). VCF-style: chr8-67517965-C-T. GRCh37 (hg19) VCF-style: chr8-68430200-C-T.
Other names: short protein forms R92Q.
Identifiers: ClinVar variation 959664 (VCV000959664.12), dbSNP rs147475942, ClinGen allele CA4773022.

ClinVar aggregate classification (germline): Uncertain significance. Review status: criteria provided, multiple submitters, no conflicts (2 of 4 stars). 3 submissions from 3 submitters: Uncertain significance (2). 1 of the submissions does not count toward it. Last evaluated 2024-03-27.

Conditions:
Febrile seizures, familial, 11 (FEB11). Also called: CONVULSIONS, FAMILIAL FEBRILE, 11. Identifiers: MedGen C3280734, MONDO:0024566, OMIM 614418.

Allele frequency attached by ClinVar (database versions not stated): gnomAD exomes 0.00002; ExAC 0.00003; gnomAD 0.00004; TOPMed 0.00004; 1000 Genomes Project 30x 0.00016; 1000 Genomes Project 0.00020.
gnomAD v4.1: 36 of 1,612,806 alleles (0.0022%); highest among the groups gnomAD compares: East Asian, 0.013%; no homozygotes.

Submissions (3):

Revvity Omics, Revvity
Classification: Uncertain significance. Last evaluated: 2024-03-27. Review status: criteria provided, single submitter. Criteria: ACMG Guidelines, 2015. Collection method: clinical testing. Allele origin: germline.

Labcorp Genetics (formerly Invitae), Labcorp
Classification: Uncertain significance for Febrile seizures, familial, 11. Last evaluated: 2022-07-26. Review status: criteria provided, single submitter. Criteria: Invitae Variant Classification Sherloc (09022015). Collection method: clinical testing. Allele origin: germline.
Comment: In summary, the available evidence is currently insufficient to determine the role of this variant in disease. Therefore, it has been classified as a Variant of Uncertain Significance. Algorithms developed to predict the effect of sequence changes on RNA splicing suggest that this variant may disrupt the consensus splice site. Algorithms developed to predict the effect of missense changes on protein structure and function output the following: SIFT: "Tolerated"; PolyPhen-2: "Benign"; Align-GVGD: "Class C0". The glutamine amino acid residue is found in multiple mammalian species, which suggests that this missense change does not adversely affect protein function. ClinVar contains an entry for this variant (Variation ID: 959664). This variant has not been reported in the literature in individuals affected with CPA6-related conditions. This variant is present in population databases (rs147475942, gnomAD 0.01%). This sequence change replaces arginine, which is basic and polar, with glutamine, which is neutral and polar, at codon 92 of the CPA6 protein (p.Arg92Gln).

Department of Pathology and Laboratory Medicine, Sinai Health System
Classification: Uncertain significance. Review status: no assertion criteria provided. Collection method: clinical testing. Allele origin: unknown. Affected: yes. Study: The Canadian Open Genetics Repository (COGR). Not counted in ClinVar's aggregate classification.
Comment: The CPA6 p.Arg92Gln variant was not identified in the literature nor was it identified in ClinVar, Cosmic or LOVD 3.0. The variant was identified in dbSNP (ID: rs147475942) and in control databases in 7 of 281766 chromosomes at a frequency of 0.000025 (Genome Aggregation Database Feb 27, 2017). The variant was observed in the following populations: South Asian in 3 of 30358 chromosomes (freq: 0.000099), African in 2 of 24926 chromosomes (freq: 0.00008), Latino in 1 of 35064 chromosomes (freq: 0.000029) and European (non-Finnish) in 1 of 128916 chromosomes (freq: 0.000008), but was not observed in the Ashkenazi Jewish, East Asian, European (Finnish) or Other populations. The p.Arg92 residue is not conserved in mammals and computational analyses (PolyPhen-2, SIFT, AlignGVGD, BLOSUM, MutationTaster) do not suggest a high likelihood of impact to the protein; however, this information is not predictive enough to rule out pathogenicity. The variant occurs outside of the splicing consensus sequence and in silico or computational prediction software programs (SpliceSiteFinder, MaxEntScan, NNSPLICE, GeneSplicer) do not predict a difference in splicing. In summary, based on the above information the clinical significance of this variant cannot be determined with certainty at this time. This variant is classified as a variant of uncertain significance.